The following is an entry in ClinVar:

ClinVar aggregate classification (germline): Conflicting classifications of pathogenicity. Review status: criteria provided, conflicting classifications (1 of 4 stars). 9 submissions from 8 submitters: Uncertain significance (1); Benign (4); Likely benign (4). Last evaluated 2026-02-02.

Conditions:
Congenital adrenal hyperplasia. Identifiers: Orphanet 418, MedGen C0001627, MONDO:0018479, HP:0008258.
Deficiency of steroid 11-beta-monooxygenase (CYP11B1). Also called: Congenital adrenal hyperplasia due to 11-beta-hydroxylase deficiency; 11-BETA-HYDROXYLASE DEFICIENCY; ADRENAL HYPERPLASIA IV; P450C11B1 DEFICIENCY; STEROID 11-BETA-HYDROXYLASE DEFICIENCY; ADRENAL HYPERPLASIA, CONGENITAL, DUE TO STEROID 11-BETA-HYDROXYLASE DEFICIENCY. Identifiers: Orphanet 90795, MedGen C0268292, MONDO:0008729, OMIM 202010. Disease mechanism: loss of function.
Glucocorticoid-remediable aldosteronism. Also called: GLUCOCORTICOID-SUPPRESSIBLE HYPERALDOSTERONISM; Hyperaldosteronism, familial, type I; ACTH-DEPENDENT HYPERALDOSTERONISM SYNDROME; ALDOSTERONISM, SENSITIVE TO DEXAMETHASONE; FH I. Identifiers: Orphanet 403, MedGen C3838731, MONDO:0007080, OMIM 103900.

Allele frequency attached by ClinVar (database versions not stated): 1000 Genomes Project 0.00519; gnomAD exomes 0.00643 and 0.00745; ESP Exome Variant Server 0.00646; gnomAD 0.00712 and 0.00726; TOPMed 0.00773; 1000 Genomes Project 30x 0.00531; ExAC 0.00626.
gnomAD v4.1: 12,070 of 1,613,716 alleles (0.75%); highest among the groups gnomAD compares: Admixed American, 0.9%; 48 homozygotes.

Submissions (9):

Labcorp Genetics (formerly Invitae), Labcorp
Classification: Benign. Last evaluated: 2026-02-02. Review status: criteria provided, single submitter. Criteria: Invitae Variant Classification Sherloc (09022015). Collection method: clinical testing. Allele origin: germline.

CeGaT Center for Human Genetics Tuebingen
Classification: Likely benign. Last evaluated: 2026-02-01. Review status: criteria provided, single submitter. Criteria: CeGaT Center For Human Genetics Tuebingen Variant Classification Criteria Version 2. Collection method: clinical testing. Allele origin: germline. Affected: yes. Observed: 7 variant alleles.
Comment: CYP11B1: BP4, BP7, BS2

Mayo Clinic Laboratories, Mayo Clinic
Classification: Likely benign. Last evaluated: 2024-12-11. Review status: criteria provided, single submitter. Criteria: ACMG Guidelines, 2015. Collection method: clinical testing. Allele origin: germline. Observed: 2 variant alleles.
Comment: BP4, BP7

Blueprint Genetics
Classification: Likely benign. Last evaluated: 2024-11-25. Review status: criteria provided, single submitter. Criteria: ACMG Guidelines, 2015. Collection method: clinical testing. Allele origin: germline.

Department of Human Genetics, Laborarztpraxis Dres. Walther, Weindel und Kollegen
Classification: Likely benign for Deficiency of steroid 11-beta-monooxygenase. Last evaluated: 2020-04-17. Review status: criteria provided, single submitter. Criteria: ACMG Guidelines, 2015. Collection method: clinical testing. Allele origin: germline. Affected: yes.
Comment: This variant is classified as likely benign because it does not alter an amino acid residue and its occurence is too high to be a pathogenic mutation. However, there is insufficient evidence to classify this variant as benign.

Athena Diagnostics
Classification: Benign. Last evaluated: 2019-02-26. Review status: criteria provided, single submitter. Criteria: Athena Diagnostics Criteria. Collection method: clinical testing. Allele origin: germline.

Illumina Laboratory Services, Illumina
Classification: Uncertain significance for Deficiency of steroid 11-beta-monooxygenase. Last evaluated: 2018-01-12. Review status: criteria provided, single submitter. Criteria: ICSL Variant Classification Criteria 13 December 2019. Collection method: clinical testing. Allele origin: germline.

Illumina Laboratory Services, Illumina
Classification: Benign for Glucocorticoid-remediable aldosteronism. Last evaluated: 2018-01-12. Review status: criteria provided, single submitter. Criteria: ICSL Variant Classification Criteria 13 December 2019. Collection method: clinical testing. Allele origin: germline.
Comment: This variant was observed in the ICSL laboratory as part of a predisposition screen in an ostensibly healthy population. It had not been previously curated by ICSL or reported in the Human Gene Mutation Database (HGMD: prior to June 1st, 2018), and was therefore a candidate for classification through an automated scoring system. Utilizing variant allele frequency, disease prevalence and penetrance estimates, and inheritance mode, an automated score was calculated to assess if this variant is too frequent to cause the disease. Based on the score and internal cut-off values, a variant classified as benign is not then subjected to further curation. The score for this variant resulted in a classification of benign for this disease.

Women's Health and Genetics/Laboratory Corporation of America, LabCorp
Classification: Benign for Congenital Adrenal Hyperplasia. Last evaluated: 2011-08-18. Review status: criteria provided, single submitter. Criteria: LabCorp Variant Classification Summary - May 2015. Collection method: curation, clinical testing. Allele origin: germline. Inheritance: autosomal unknown. Affected: yes.
ClinVar note: Converted during submission from benign to Benign.

NM_000497.4(CYP11B1):c.243C>T (p.Tyr81=)

Gene: CYP11B1 (cytochrome P450 family 11 subfamily B member 1; minus strand). Cytogenetic location: 8q24.3.
Variant type: single nucleotide variant.
Coding change: c.243C>T on transcript NM_000497.4 (MANE Select); coding-DNA position 243, C replaced by T.
Protein change: p.Tyr81=; no amino-acid change (tyrosine 81 retained).
Molecular consequence: synonymous variant.
Genome position (GRCh38, 1-based): chr8:142,879,184, G>A on the plus strand (C>T on the coding strand, the complement: CYP11B1 is on the minus strand). VCF-style: chr8-142879184-G-A. GRCh37 (hg19) VCF-style: chr8-143960600-G-A.
Other names: p.Tyr81=; c.243C>T, p.Tyr81= (NM_001026213.1).
Identifiers: ClinVar variation 35987 (VCV000035987.47), dbSNP rs9657022, ClinGen allele CA213663.
Genomic context (GRCh38, chr8:142,879,184, plus strand): 5'-TTGCAGCTTCTCCACGTCCTCCGGCAGCATCACACACACCATGCCTGCTCCTCCCAAGTC[G>A]TACCTGTGGGGCCAAGCACGAGGCCGTGCTGGATGGGACCATGTCCCCGCTAGCCCCACC-3'
Protein context (NP_000488.3, residues 71-91): TFQELGPIFR[Tyr81=]DLGGAGMVCV